The following is an entry in ClinVar:

ClinVar aggregate classification (germline): Conflicting classifications of pathogenicity. Review status: criteria provided, conflicting classifications (1 of 4 stars). 4 submissions from 4 submitters: Pathogenic (2); Uncertain significance (1). 1 of the submissions does not count toward it. Last evaluated 2026-01-12.

Conditions:
Retinitis pigmentosa-juvenile cataract-short stature-intellectual disability syndrome. Also called: Retinal dystrophy, juvenile cataracts, and short stature syndrome. Identifiers: Orphanet 436245, MedGen C4015242, MONDO:0014495, OMIM 616108.

Allele frequency attached by ClinVar (database versions not stated): ExAC 0.00001; gnomAD exomes 0.00001; TOPMed 0.00002; gnomAD 0.00003.
gnomAD v4.1: 23 of 1,613,946 alleles (0.0014%); highest among the groups gnomAD compares: African/African-American, 0.0053%; no homozygotes.

Submissions (4):

Labcorp Genetics (formerly Invitae), Labcorp
Classification: Pathogenic. Last evaluated: 2026-01-12. Review status: criteria provided, single submitter. Criteria: Invitae Variant Classification Sherloc (09022015). Collection method: clinical testing. Allele origin: germline.
Comment: This sequence change creates a premature translational stop signal (p.Arg108*) in the RDH11 gene. It is expected to result in an absent or disrupted protein product. Loss-of-function variants in RDH11 are known to be pathogenic (PMID: 24916380). This variant is present in population databases (rs606231424, gnomAD 0.003%). This premature translational stop signal has been observed in individual(s) with syndromic retinal dystrophy (PMID: 24916380). It has also been observed to segregate with disease in related individuals. ClinVar contains an entry for this variant (Variation ID: 161116). Algorithms developed to predict the effect of sequence changes on RNA splicing suggest that this variant may disrupt the consensus splice site. For these reasons, this variant has been classified as Pathogenic.

Blueprint Genetics
Classification: Uncertain significance. Last evaluated: 2024-02-02. Review status: criteria provided, single submitter. Criteria: ACMG Guidelines, 2015. Collection method: clinical testing. Allele origin: germline.

Lupski Lab, Baylor-Hopkins CMG, Baylor College of Medicine
Classification: Pathogenic for Retinitis pigmentosa-juvenile cataract-short stature-intellectual disability syndrome. Last evaluated: 2014-11-01. Review status: criteria provided, single submitter. Criteria: Xie et al. (Hum Mol Genet. 2014). Collection method: research. Allele origin: maternal. Inheritance: Autosomal recessive inheritance. Affected: yes. Observed: 3 variant alleles, 3 compound heterozygotes.
Comment: This variant was found in trans with pathogenic variant NM_016026.3:c.199C>T in three compound heterozygotes with retinal dystrophy, juvenile cataracts, and short stature syndrome

OMIM
Classification: Pathogenic for RETINAL DYSTROPHY, JUVENILE CATARACTS, AND SHORT STATURE SYNDROME (1 family). Last evaluated: 2014-11-01. Review status: no assertion criteria provided. Collection method: literature only. Allele origin: germline. Not counted in ClinVar's aggregate classification.

Literature cited by the submitters: PubMed 24916380 (cited by Labcorp Genetics (formerly Invitae), Labcorp and OMIM).

NM_016026.4(RDH11):c.322C>T (p.Arg108Ter)

Genes: GPHN (gephyrin; plus strand), RDH11 (retinol dehydrogenase 11; minus strand). Cytogenetic location: 14q24.1.
Variant type: single nucleotide variant.
Coding change: c.322C>T on transcript NM_016026.4 (MANE Select); coding-DNA position 322, C replaced by T.
Protein change: p.Arg108Ter; replaces arginine 108 with a stop codon.
Molecular consequence: nonsense.
Genome position (GRCh38, 1-based): chr14:67,692,465, G>A on the plus strand (C>T on the coding strand, the complement: RDH11 is on the minus strand). VCF-style: chr14-67692465-G-A. GRCh37 (hg19) VCF-style: chr14-68159182-G-A.
Other names: c.322C>T, p.Arg108Ter (NM_001252650.2); short protein forms R108*.
Identifiers: ClinVar variation 161116 (VCV000161116.11), dbSNP rs606231424, ClinGen allele CA214522.